The following is an entry in ClinVar:

NM_000390.4(CHM):c.776A>G (p.Asn259Ser)

Gene: CHM (CHM Rab escort protein; minus strand). Cytogenetic location: Xq21.2.
Variant type: single nucleotide variant.
Coding change: c.776A>G on transcript NM_000390.4 (MANE Select); coding-DNA position 776, A replaced by G.
Protein change: p.Asn259Ser; replaces asparagine 259 with serine.
Molecular consequence: missense variant.
Genome position (GRCh38, 1-based): chrX:85,958,904, T>C on the plus strand (A>G on the coding strand, the complement: CHM is on the minus strand). VCF-style: chrX-85958904-T-C. GRCh37 (hg19) VCF-style: chrX-85213909-T-C.
Other names: c.332A>G, p.Asn111Ser (NM_001362517.1, NM_001362518.2, NM_001362519.1 and 1 more transcripts); short protein forms N111S, N259S.
Identifiers: ClinVar variation 849044 (VCV000849044.8), dbSNP rs959807426, ClinGen allele CA413786031.
Genomic context (GRCh38, chrX:85,958,904, plus strand): 5'-CTTGATCAGCACAGTACCTGTTCCACTCGTCCTTCTCGAAATGCAAGAATCCTGGTAATA[T>C]TTTTAAACTCTGCATATCGACTAACATTAGATTTGATTAGAAGATCAATTAGTAATCCTC-3'
Protein context (NP_000381.1, residues 249-269): SNVSRYAEFK[Asn259Ser]ITRILAFREG

ClinVar aggregate classification (germline): Uncertain significance. Review status: criteria provided, multiple submitters, no conflicts (2 of 4 stars). 2 submissions from 2 submitters: Uncertain significance (2). Last evaluated 2024-04-23.

Allele frequency attached by ClinVar (database versions not stated): gnomAD exomes below 0.00001.
gnomAD v4.1: 4 of 1,211,781 alleles (0.00033%); highest among the groups gnomAD compares: Non-Finnish European, 0.00045%; no homozygotes.

Submissions (2):

Blueprint Genetics
Classification: Uncertain significance. Last evaluated: 2024-04-23. Review status: criteria provided, single submitter. Criteria: ACMG Guidelines, 2015. Collection method: clinical testing. Allele origin: germline.

Labcorp Genetics (formerly Invitae), Labcorp
Classification: Uncertain significance. Last evaluated: 2021-08-26. Review status: criteria provided, single submitter. Criteria: Invitae Variant Classification Sherloc (09022015). Collection method: clinical testing. Allele origin: germline.
Comment: This sequence change replaces asparagine with serine at codon 259 of the CHM protein (p.Asn259Ser). The asparagine residue is moderately conserved and there is a small physicochemical difference between asparagine and serine. This variant is not present in population databases (ExAC no frequency). This variant has not been reported in the literature in individuals affected with CHM-related conditions. Algorithms developed to predict the effect of missense changes on protein structure and function are either unavailable or do not agree on the potential impact of this missense change (SIFT: "Tolerated"; PolyPhen-2: "Probably Damaging"; Align-GVGD: "Class C0"). In summary, the available evidence is currently insufficient to determine the role of this variant in disease. Therefore, it has been classified as a Variant of Uncertain Significance.